The following is an entry in ClinVar:

NM_020774.4(MIB1):c.1708G>A (p.Ala570Thr)

Gene: MIB1 (MIB E3 ubiquitin protein ligase 1; plus strand). Cytogenetic location: 18q11.2.
Variant type: single nucleotide variant.
Coding change: c.1708G>A on transcript NM_020774.4 (MANE Select); coding-DNA position 1708, G replaced by A.
Protein change: p.Ala570Thr; replaces alanine 570 with threonine.
Molecular consequence: missense variant.
Genome position (GRCh38, 1-based): chr18:21,819,525, G>A. VCF-style: chr18-21819525-G-A. GRCh37 (hg19) VCF-style: chr18-19399486-G-A.
Other names: short protein forms A570T.
Identifiers: ClinVar variation 4625000 (VCV004625000.1).

ClinVar aggregate classification (germline): Uncertain significance (1 of 4 stars; one submission).

Conditions:
Inborn genetic diseases. Identifiers: MedGen C0950123, MeSH D030342.

gnomAD v4.1: 2 of 1,608,110 alleles (0.00012%); highest among the groups gnomAD compares: Non-Finnish European, 0.000085%; no homozygotes.

Submission:

Ambry Genetics
Classification: Uncertain significance for Inborn genetic diseases. Last evaluated: 2025-11-24. Review status: criteria provided, single submitter. Criteria: Ambry Variant Classification Scheme 2023. Collection method: clinical testing. Allele origin: germline.
Comment: The p.A570T variant (also known as c.1708G>A), located in coding exon 12 of the MIB1 gene, results from a G to A substitution at nucleotide position 1708. The alanine at codon 570 is replaced by threonine, an amino acid with similar properties. This amino acid position is conserved. In addition, this alteration is predicted to be deleterious by in silico analysis. Based on the available evidence, the clinical significance of this variant remains unclear.